The following is an entry in ClinVar:

ClinVar aggregate classification (germline): Uncertain significance (1 of 4 stars; one submission).

Conditions:
Cone-rod dystrophy 13 (CORD13). Identifiers: Orphanet 1872, MedGen C2750720, MONDO:0011987, OMIM 608194.
Leber congenital amaurosis 6 (LCA6). Identifiers: Orphanet 65, MedGen C1854260, MONDO:0013446, OMIM 613826.

Submission:

Labcorp Genetics (formerly Invitae), Labcorp
Classification: Uncertain significance for Leber congenital amaurosis 6; Cone-rod dystrophy 13. Last evaluated: 2024-02-20. Review status: criteria provided, single submitter. Criteria: Invitae Variant Classification Sherloc (09022015). Collection method: clinical testing. Allele origin: germline.
Comment: This sequence change replaces glutamic acid, which is acidic and polar, with glycine, which is neutral and non-polar, at codon 484 of the RPGRIP1 protein (p.Glu484Gly). This variant is not present in population databases (gnomAD no frequency). This variant has not been reported in the literature in individuals affected with RPGRIP1-related conditions. ClinVar contains an entry for this variant (Variation ID: 1470132). Advanced modeling of protein sequence and biophysical properties (such as structural, functional, and spatial information, amino acid conservation, physicochemical variation, residue mobility, and thermodynamic stability) performed at Invitae indicates that this missense variant is expected to disrupt RPGRIP1 protein function with a positive predictive value of 80%. In summary, the available evidence is currently insufficient to determine the role of this variant in disease. Therefore, it has been classified as a Variant of Uncertain Significance.

NM_020366.4(RPGRIP1):c.1451A>G (p.Glu484Gly)

Gene: RPGRIP1 (RPGR interacting protein 1; plus strand). Cytogenetic location: 14q11.2.
Variant type: single nucleotide variant.
Coding change: c.1451A>G on transcript NM_020366.4 (MANE Select); coding-DNA position 1451, A replaced by G.
Protein change: p.Glu484Gly; replaces glutamic acid 484 with glycine.
Molecular consequence: missense variant. On other transcripts: 5 prime UTR variant (1).
Genome position (GRCh38, 1-based): chr14:21,320,161, A>G. VCF-style: chr14-21320161-A-G. GRCh37 (hg19) VCF-style: chr14-21788320-A-G.
Other names: c.377A>G, p.Glu126Gly (NM_001377523.1, NM_001377948.1, NM_001377949.1 and 1 more transcripts); c.-122A>G (NM_001377951.1); short protein forms E126G, E484G.
Identifiers: ClinVar variation 1470132 (VCV001470132.8), dbSNP rs2139200567, ClinGen allele CA388864889.